The following is an entry in ClinVar:

ClinVar aggregate classification (germline): Uncertain significance. Review status: criteria provided, multiple submitters, no conflicts (2 of 4 stars). 2 submissions from 2 submitters: Uncertain significance (2). Last evaluated 2022-03-21.

Conditions:
Inborn genetic diseases. Identifiers: MedGen C0950123, MeSH D030342.

Allele frequency attached by ClinVar (database versions not stated): gnomAD exomes below 0.00001 and 0.00001; TOPMed below 0.00001; gnomAD 0.00001.
gnomAD v4.1: 9 of 1,614,028 alleles (0.00056%); highest among the groups gnomAD compares: Non-Finnish European, 0.00068%; no homozygotes.

Submissions (2):

Ambry Genetics
Classification: Uncertain significance for Inborn genetic diseases. Last evaluated: 2022-03-21. Review status: criteria provided, single submitter. Criteria: Ambry Variant Classification Scheme 2023. Collection method: clinical testing. Allele origin: germline.
Comment: The p.F100L variant (also known as c.300T>A), located in coding exon 2 of the MRAS gene, results from a T to A substitution at nucleotide position 300. The phenylalanine at codon 100 is replaced by leucine, an amino acid with highly similar properties. This amino acid position is conserved. In addition, this alteration is predicted to be deleterious by in silico analysis. Since supporting evidence is limited at this time, the clinical significance of this alteration remains unclear.

Labcorp Genetics (formerly Invitae), Labcorp
Classification: Uncertain significance. Last evaluated: 2021-09-04. Review status: criteria provided, single submitter. Criteria: Invitae Variant Classification Sherloc (09022015). Collection method: clinical testing. Allele origin: germline.
Comment: Algorithms developed to predict the effect of missense changes on protein structure and function are either unavailable or do not agree on the potential impact of this missense change (SIFT: "Deleterious"; PolyPhen-2: "Possibly Damaging"; Align-GVGD: "Class C15"). This variant has not been reported in the literature in individuals affected with MRAS-related conditions. This variant is not present in population databases (ExAC no frequency). This sequence change replaces phenylalanine with leucine at codon 100 of the MRAS protein (p.Phe100Leu). The phenylalanine residue is highly conserved and there is a small physicochemical difference between phenylalanine and leucine. In summary, the available evidence is currently insufficient to determine the role of this variant in disease. Therefore, it has been classified as a Variant of Uncertain Significance.

NM_001085049.3(MRAS):c.300T>A (p.Phe100Leu)

Gene: MRAS (muscle RAS oncogene homolog; plus strand). Cytogenetic location: 3q22.3.
Variant type: single nucleotide variant.
Coding change: c.300T>A on transcript NM_001085049.3 (MANE Select); coding-DNA position 300, T replaced by A.
Protein change: p.Phe100Leu; replaces phenylalanine 100 with leucine.
Molecular consequence: missense variant.
Genome position (GRCh38, 1-based): chr3:138,397,430, T>A. VCF-style: chr3-138397430-T-A. GRCh37 (hg19) VCF-style: chr3-138116272-T-A.
Other names: c.300T>A, p.Phe100Leu (NM_001252090.2, NM_012219.4); c.72T>A, p.Phe24Leu (NM_001252091.1, NM_001252092.2, NM_001252093.2); short protein forms F24L, F100L.
Identifiers: ClinVar variation 1445338 (VCV001445338.8), dbSNP rs1453377231, ClinGen allele CA354673021.